The following is an entry in ClinVar:

NM_005378.6(MYCN):c.-117-9C>T

Genes: MYCNOS (MYCN opposite strand; minus strand), MYCN (MYCN proto-oncogene, bHLH transcription factor; plus strand). Cytogenetic location: 2p24.3.
Variant type: single nucleotide variant.
Coding change: c.-117-9C>T on transcript NM_005378.6 (MANE Select); 9 bases into the intron before 117 bases upstream of the start codon, C replaced by T.
Molecular consequence: intron variant.
Genome position (GRCh38, 1-based): chr2:15,941,939, C>T. VCF-style: chr2-15941939-C-T. GRCh37 (hg19) VCF-style: chr2-16082061-C-T.
Other names: c.-117-9C>T (NM_001293228.2); c.158-9C>T (NM_001293233.2); c.157+1196C>T (NM_001293231.2).
Identifiers: ClinVar variation 510953 (VCV000510953.1), dbSNP rs1553370205, ClinGen allele CA658795679.

ClinVar aggregate classification (germline): Likely benign (1 of 4 stars; one submission).

Submission:

GeneDx
Classification: Likely benign. Last evaluated: 2017-07-20. Review status: criteria provided, single submitter. Criteria: GeneDx Variant Classification (06012015). Collection method: clinical testing. Allele origin: germline. Affected: yes.
Comment: This variant is considered likely benign or benign based on one or more of the following criteria: it is a conservative change, it occurs at a poorly conserved position in the protein, it is predicted to be benign by multiple in silico algorithms, and/or has population frequency not consistent with disease.